The following is an entry in ClinVar:

ClinVar aggregate classification (germline): Benign/Likely benign. Review status: criteria provided, multiple submitters, no conflicts (2 of 4 stars). 5 submissions from 5 submitters: Benign (3); Likely benign (1). 1 of the submissions does not count toward it. Last evaluated 2026-02-02.

Conditions:
FREM2-related disorder. Also called: FREM2-related condition.
Fraser syndrome 2 (FRASRS2). Identifiers: MedGen C4540036, MONDO:0054738, OMIM 617666.

Allele frequency attached by ClinVar (database versions not stated): gnomAD exomes 0.00053 and 0.00132; ExAC 0.00154; gnomAD 0.00488 and 0.00525; 1000 Genomes Project 0.00499; 1000 Genomes Project 30x 0.00562; TOPMed 0.00562; ESP Exome Variant Server 0.00577.
gnomAD v4.1: 1,524 of 1,613,716 alleles (0.094%); highest among the groups gnomAD compares: African/African-American, 1.9%; 10 homozygotes.

Submissions (5):

Labcorp Genetics (formerly Invitae), Labcorp
Classification: Benign. Last evaluated: 2026-02-02. Review status: criteria provided, single submitter. Criteria: Invitae Variant Classification Sherloc (09022015). Collection method: clinical testing. Allele origin: germline.

Blueprint Genetics
Classification: Likely benign. Last evaluated: 2024-11-13. Review status: criteria provided, single submitter. Criteria: ACMG Guidelines, 2015. Collection method: clinical testing. Allele origin: germline.

Illumina Laboratory Services, Illumina
Classification: Benign for Fraser syndrome 2. Last evaluated: 2018-01-12. Review status: criteria provided, single submitter. Criteria: ICSL Variant Classification Criteria 13 December 2019. Collection method: clinical testing. Allele origin: germline.
Comment: This variant was observed in the ICSL laboratory as part of a predisposition screen in an ostensibly healthy population. It had not been previously curated by ICSL or reported in the Human Gene Mutation Database (HGMD: prior to June 1st, 2018), and was therefore a candidate for classification through an automated scoring system. Utilizing variant allele frequency, disease prevalence and penetrance estimates, and inheritance mode, an automated score was calculated to assess if this variant is too frequent to cause the disease. Based on the score and internal cut-off values, a variant classified as benign is not then subjected to further curation. The score for this variant resulted in a classification of benign for this disease.

Breakthrough Genomics
Classification: Benign. Review status: criteria provided, single submitter. Criteria: ACMG Guidelines, 2015. Collection method: not provided. Allele origin: germline. Inheritance: Autosomal recessive inheritance. Affected: yes.

PreventionGenetics, part of Exact Sciences
Classification: Benign for FREM2-related condition. Last evaluated: 2019-06-20. Review status: no assertion criteria provided. Collection method: clinical testing. Allele origin: germline. Not counted in ClinVar's aggregate classification.
Comment: This variant is classified as benign based on ACMG/AMP sequence variant interpretation guidelines (Richards et al. 2015 PMID: 25741868, with internal and published modifications).

NM_207361.6(FREM2):c.6396C>T (p.Phe2132=)

Gene: FREM2 (FRAS1 related extracellular matrix 2; plus strand). Cytogenetic location: 13q13.3.
Variant type: single nucleotide variant.
Coding change: c.6396C>T on transcript NM_207361.6 (MANE Select); coding-DNA position 6396, C replaced by T.
Protein change: p.Phe2132=; no amino-acid change (phenylalanine 2132 retained).
Molecular consequence: synonymous variant.
Genome position (GRCh38, 1-based): chr13:38,850,054, C>T. VCF-style: chr13-38850054-C-T. GRCh37 (hg19) VCF-style: chr13-39424191-C-T.
Identifiers: ClinVar variation 702035 (VCV000702035.17), dbSNP rs61745902, ClinGen allele CA6955550.